The following is an entry in ClinVar:

NM_001135146.2(SLC39A8):c.82G>A (p.Ala28Thr)

Genes: SLC39A8 (solute carrier family 39 member 8; minus strand), LOC129992876 (ATAC-STARR-seq lymphoblastoid silent region 15595; plus strand). Cytogenetic location: 4q24.
Variant type: single nucleotide variant.
Coding change: c.82G>A on transcript NM_001135146.2 (MANE Select); coding-DNA position 82, G replaced by A.
Protein change: p.Ala28Thr; replaces alanine 28 with threonine.
Molecular consequence: missense variant.
Genome position (GRCh38, 1-based): chr4:102,344,581, C>T on the plus strand (G>A on the coding strand, the complement: SLC39A8 is on the minus strand). VCF-style: chr4-102344581-C-T. GRCh37 (hg19) VCF-style: chr4-103265738-C-T.
Other names: c.82G>A, p.Ala28Thr (NM_001135147.1, NM_022154.5); short protein forms A28T.
Identifiers: ClinVar variation 2011270 (VCV002011270.4), dbSNP rs1736083577, ClinGen allele CA357956957.
Genomic context (GRCh38, chr4:102,344,581, plus strand): 5'-GCTGCGCCGCCGACAGGCTCAGATTCGCGCCGAACACGCTCAGCACATCCTCGCTGAAGG[C>T]TAGCCCTGGCCCCTCCGCCACTCCTCCGAGGCCGGCGGCCGCCAGCAACAGGAGCCCGGC-3'
Protein context (NP_001128618.1, residues 18-38): LGGVAEGPGL[Ala28Thr]FSEDVLSVFG

ClinVar aggregate classification (germline): Uncertain significance (1 of 4 stars; one submission).

Allele frequency attached by ClinVar (database versions not stated): gnomAD exomes below 0.00001.

Submission:

Labcorp Genetics (formerly Invitae), Labcorp
Classification: Uncertain significance. Last evaluated: 2022-07-05. Review status: criteria provided, single submitter. Criteria: Invitae Variant Classification Sherloc (09022015). Collection method: clinical testing. Allele origin: germline.
Comment: Algorithms developed to predict the effect of missense changes on protein structure and function (SIFT, PolyPhen-2, Align-GVGD) all suggest that this variant is likely to be tolerated. This variant has not been reported in the literature in individuals affected with SLC39A8-related conditions. This variant is not present in population databases (gnomAD no frequency). This sequence change replaces alanine, which is neutral and non-polar, with threonine, which is neutral and polar, at codon 28 of the SLC39A8 protein (p.Ala28Thr). In summary, the available evidence is currently insufficient to determine the role of this variant in disease. Therefore, it has been classified as a Variant of Uncertain Significance.